The following is an entry in ClinVar:

ClinVar aggregate classification (germline): Pathogenic/Likely pathogenic. Review status: criteria provided, multiple submitters, no conflicts (2 of 4 stars). 2 submissions from 2 submitters: Pathogenic (1); Likely pathogenic (1). Last evaluated 2023-04-12.

Conditions:
Inborn genetic diseases. Identifiers: MedGen C0950123, MeSH D030342.

Submissions (2):

Ambry Genetics
Classification: Pathogenic for Inborn genetic diseases. Last evaluated: 2023-04-12. Review status: criteria provided, single submitter. Criteria: Ambry Variant Classification Scheme 2023. Collection method: clinical testing. Allele origin: germline.
Comment: The c.1823delC (p.P608Rfs*12) alteration, located in exon 16 (coding exon 16) of the KCNQ2 gene, consists of a deletion of one nucleotide at position 1823, causing a translational frameshift with a predicted alternate stop codon after 12 amino acids. This alteration occurs at the 3' terminus of the KCNQ2 gene, is not expected to trigger nonsense-mediated mRNA decay, and impacts the last 30% of the protein. Premature stop codons are typically deleterious in nature, the impacted region is critical for protein function, and a significant portion of the protein is affected (Ambry internal data). This variant was not reported in population-based cohorts in the Genome Aggregation Database (gnomAD). Based on the available evidence, this alteration is classified as pathogenic.

GeneDx
Classification: Likely pathogenic. Last evaluated: 2021-04-08. Review status: criteria provided, single submitter. Criteria: GeneDx Variant Classification Process June 2021. Collection method: clinical testing. Allele origin: germline. Affected: yes.
Comment: Frameshift variant predicted to result in protein truncation, as the last 265 amino acids are replaced with 11 different amino acids, and other loss-of-function variants have been reported downstream in the Human Gene Mutation Database (Stenson et al., 2014); Not observed in large population cohorts (Lek et al., 2016); Has not been previously published as pathogenic or benign to our knowledge

NM_172107.4(KCNQ2):c.1823del (p.Pro608fs)

Gene: KCNQ2 (potassium voltage-gated channel subfamily Q member 2; minus strand). Cytogenetic location: 20q13.33.
Variant type: Deletion.
Coding change: c.1823del on transcript NM_172107.4 (MANE Select); coding-DNA position 1823, one base deleted (C; older notation c.1823delC).
Protein change: p.Pro608fs; shifts the reading frame from proline 608.
Molecular consequence: frameshift variant.
Genome position (GRCh38, 1-based): chr20:63,408,477, G deleted on the plus strand (C on the coding strand, the reverse complement: KCNQ2 is on the minus strand); the first of 3 consecutive G bases (chr20:63,408,477-63,408,479); deleting any one gives the same sequence. VCF-style (leftmost placement, unchanged base first): chr20-63408476-CG-C. GRCh37 (hg19) VCF-style: chr20-62039829-CG-C.
Other names: c.1877del, p.Pro626fs (NM_001382235.1); c.1739del, p.Pro580fs (NM_004518.6); c.1769del, p.Pro590fs (NM_172106.3); c.1730del, p.Pro577fs (NM_172108.5); c.1823delC (NM_172107.2); short protein forms P577fs, P580fs, P590fs, P608fs, P626fs.
Identifiers: ClinVar variation 1328847 (VCV001328847.4), dbSNP rs2145497168, ClinGen allele CA2573054902.